The following is an entry in ClinVar:

NM_001354768.3(NRL):c.*558C>T

Gene: NRL (neural retina leucine zipper; minus strand). Cytogenetic location: 14q11.2.
Variant type: single nucleotide variant.
Coding change: c.*558C>T on transcript NM_001354768.3 (MANE Select); 558 bases downstream of the stop codon, C replaced by T.
Molecular consequence: 3 prime UTR variant.
Genome position (GRCh38, 1-based): chr14:24,080,678, G>A on the plus strand (C>T on the coding strand, the complement: NRL is on the minus strand). VCF-style: chr14-24080678-G-A. GRCh37 (hg19) VCF-style: chr14-24549887-G-A.
Other names: c.*558C>T (NM_001354769.1, NM_001354770.2, NM_006177.5).
Identifiers: ClinVar variation 312931 (VCV000312931.5), dbSNP rs114327952, ClinGen allele CA10634758.

ClinVar aggregate classification (germline): Benign (1 of 4 stars; one submission).

Conditions:
Retinitis pigmentosa (RP). Identifiers: Orphanet 791, MedGen C0035334, MeSH D012174, MONDO:0019200, OMIM 268000. Inheritance: Autosomal dominant, autosomal recessive and X linked inheritance.

Allele frequency attached by ClinVar (database versions not stated): gnomAD exomes 0.00212; gnomAD 0.00701 and 0.00737; 1000 Genomes Project 0.00799; 1000 Genomes Project 30x 0.00812; TOPMed 0.00831.
gnomAD v4.1: 1,071 of 152,698 alleles (0.7%); highest among the groups gnomAD compares: African/African-American, 1.9%; 6 homozygotes.

Submission:

Illumina Laboratory Services, Illumina
Classification: Benign for Retinitis pigmentosa. Last evaluated: 2018-01-13. Review status: criteria provided, single submitter. Criteria: ICSL Variant Classification Criteria 13 December 2019. Collection method: clinical testing. Allele origin: germline.
Comment: This variant was observed in the ICSL laboratory as part of a predisposition screen in an ostensibly healthy population. It had not been previously curated by ICSL or reported in the Human Gene Mutation Database (HGMD: prior to June 1st, 2018), and was therefore a candidate for classification through an automated scoring system. Utilizing variant allele frequency, disease prevalence and penetrance estimates, and inheritance mode, an automated score was calculated to assess if this variant is too frequent to cause the disease. Based on the score and internal cut-off values, a variant classified as benign is not then subjected to further curation. The score for this variant resulted in a classification of benign for this disease.